The following is an entry in ClinVar:

ClinVar aggregate classification (germline): Benign/Likely benign. Review status: criteria provided, multiple submitters, no conflicts (2 of 4 stars). 3 submissions from 3 submitters: Benign (1); Likely benign (1). 1 of the submissions does not count toward it. Last evaluated 2025-02-17.

Conditions:
TRRAP-related disorder. Also called: TRRAP-related condition.

Allele frequency attached by ClinVar (database versions not stated): TOPMed 0.00005; gnomAD 0.00010; 1000 Genomes Project 30x 0.00016; gnomAD exomes 0.00017; 1000 Genomes Project 0.00020; ExAC 0.00023.

Submissions (3):

Labcorp Genetics (formerly Invitae), Labcorp
Classification: Benign. Last evaluated: 2025-02-17. Review status: criteria provided, single submitter. Criteria: Invitae Variant Classification Sherloc (09022015). Collection method: clinical testing. Allele origin: germline.

Blueprint Genetics
Classification: Likely benign. Last evaluated: 2024-11-13. Review status: criteria provided, single submitter. Criteria: ACMG Guidelines, 2015. Collection method: clinical testing. Allele origin: germline.

PreventionGenetics, part of Exact Sciences
Classification: Likely benign for TRRAP-related condition. Last evaluated: 2019-09-19. Review status: no assertion criteria provided. Collection method: clinical testing. Allele origin: germline. Not counted in ClinVar's aggregate classification.
Comment: This variant is classified as likely benign based on ACMG/AMP sequence variant interpretation guidelines (Richards et al. 2015 PMID: 25741868, with internal and published modifications).

NM_001375524.1(TRRAP):c.4161C>T (p.Ile1387=)

Gene: TRRAP (transformation/transcription domain associated protein; plus strand). Cytogenetic location: 7q22.1.
Variant type: single nucleotide variant.
Coding change: c.4161C>T on transcript NM_001375524.1 (MANE Select); coding-DNA position 4161, C replaced by T.
Protein change: p.Ile1387=; no amino-acid change (isoleucine 1387 retained).
Molecular consequence: synonymous variant.
Genome position (GRCh38, 1-based): chr7:98,937,205, C>T. VCF-style: chr7-98937205-C-T. GRCh37 (hg19) VCF-style: chr7-98534828-C-T.
Other names: c.4161C>T, p.Ile1387= (NM_001244580.2, NM_003496.4); c.4161C>T (NM_003496.3).
Identifiers: ClinVar variation 2163308 (VCV002163308.7), dbSNP rs574797700, ClinGen allele CA4360175.